The following is an entry in ClinVar:

NM_001378418.1(TCF20):c.2387A>G (p.Asn796Ser)

Gene: TCF20 (transcription factor 20; minus strand). Cytogenetic location: 22q13.2.
Variant type: single nucleotide variant.
Coding change: c.2387A>G on transcript NM_001378418.1 (MANE Select); coding-DNA position 2387, A replaced by G.
Protein change: p.Asn796Ser; replaces asparagine 796 with serine.
Molecular consequence: missense variant.
Genome position (GRCh38, 1-based): chr22:42,212,919, T>C on the plus strand (A>G on the coding strand, the complement: TCF20 is on the minus strand). VCF-style: chr22-42212919-T-C. GRCh37 (hg19) VCF-style: chr22-42608925-T-C.
Other names: c.2387A>G, p.Asn796Ser (NM_005650.4, NM_181492.3); c.2387A>G (NM_005650.1); short protein forms N796S.
Identifiers: ClinVar variation 3637056 (VCV003637056.3).

ClinVar aggregate classification (germline): Uncertain significance. Review status: criteria provided, multiple submitters, no conflicts (2 of 4 stars). 2 submissions from 2 submitters: Uncertain significance (2). Last evaluated 2025-04-11.

Conditions:
Inborn genetic diseases. Identifiers: MedGen C0950123, MeSH D030342.

gnomAD v4.1: 11 of 1,614,178 alleles (0.00068%); highest among the groups gnomAD compares: East Asian, 0.0022%; no homozygotes.

Submissions (2):

Ambry Genetics
Classification: Uncertain significance for Inborn genetic diseases. Last evaluated: 2025-04-11. Review status: criteria provided, single submitter. Criteria: Ambry Variant Classification Scheme 2023. Collection method: clinical testing. Allele origin: germline.

Labcorp Genetics (formerly Invitae), Labcorp
Classification: Uncertain significance. Last evaluated: 2024-11-30. Review status: criteria provided, single submitter. Criteria: Invitae Variant Classification Sherloc (09022015). Collection method: clinical testing. Allele origin: germline.
Comment: This sequence change replaces asparagine, which is neutral and polar, with serine, which is neutral and polar, at codon 796 of the TCF20 protein (p.Asn796Ser). This variant is present in population databases (rs766312102, gnomAD 0.004%). This variant has not been reported in the literature in individuals affected with TCF20-related conditions. An algorithm developed to predict the effect of missense changes on protein structure and function (PolyPhen-2) suggests that this variant is likely to be tolerated. In summary, the available evidence is currently insufficient to determine the role of this variant in disease. Therefore, it has been classified as a Variant of Uncertain Significance.